The following is an entry in ClinVar:

NM_001903.5(CTNNA1):c.2299-5T>A

Gene: CTNNA1 (catenin alpha 1; plus strand). Cytogenetic location: 5q31.2.
Variant type: single nucleotide variant.
Coding change: c.2299-5T>A on transcript NM_001903.5 (MANE Select); 5 bases into the intron before coding-DNA position 2299, T replaced by A.
Molecular consequence: intron variant.
Genome position (GRCh38, 1-based): chr5:138,932,573, T>A. VCF-style: chr5-138932573-T-A. GRCh37 (hg19) VCF-style: chr5-138268262-T-A.
Other names: c.2299-5T>A (NM_001323982.2, NM_001323984.2, NM_001290307.3 and 2 more transcripts); c.2206-5T>A (NM_001323986.2); c.1930-5T>A (NM_001290310.3); c.1990-5T>A (NM_001290309.3); c.1189-5T>A (NM_001323996.1, NM_001323993.1, NM_001324005.1 and 16 more transcripts); c.850-5T>A (NM_001324007.1, NM_001324009.1, NM_001324006.1 and 2 more transcripts); c.946-5T>A (NM_001324013.1, NM_001324012.1); c.1189-1229T>A (NM_001324001.1); and 1 more.
Identifiers: ClinVar variation 4235640 (VCV004235640.1).

ClinVar aggregate classification (germline): Uncertain significance (1 of 4 stars; one submission).

Conditions:
Hereditary cancer-predisposing syndrome. Also called: Hereditary Cancer Syndrome; Hereditary neoplastic syndrome; Neoplastic Syndromes, Hereditary; Tumor predisposition. Identifiers: Orphanet 140162, MedGen C0027672, MeSH D009386, MONDO:0015356.

Submission:

Ambry Genetics
Classification: Uncertain significance for Hereditary cancer-predisposing syndrome. Last evaluated: 2025-08-11. Review status: criteria provided, single submitter. Criteria: Ambry Variant Classification Scheme 2023. Collection method: clinical testing. Allele origin: germline.
Comment: The c.2299-5T>A intronic variant results from a T to A substitution 5 nucleotides upstream from coding exon 16 in the CTNNA1 gene. This nucleotide position is not well conserved in available vertebrate species. In silico splice site analysis predicts that this alteration may result in the creation or strengthening of a novel splice acceptor site. Based on the available evidence, the clinical significance of this variant remains unclear.